The following is an entry in ClinVar:

NM_000548.5(TSC2):c.2235G>A (p.Lys745=)

Gene: TSC2 (TSC complex subunit 2; plus strand). Cytogenetic location: 16p13.3.
Variant type: single nucleotide variant.
Coding change: c.2235G>A on transcript NM_000548.5 (MANE Select); coding-DNA position 2235, G replaced by A.
Protein change: p.Lys745=; no amino-acid change (lysine 745 retained).
Molecular consequence: synonymous variant.
Genome position (GRCh38, 1-based): chr16:2,072,863, G>A. VCF-style: chr16-2072863-G-A. GRCh37 (hg19) VCF-style: chr16-2122864-G-A.
Other names: c.2235G>A, p.Lys745= (NM_001077183.3, NM_001114382.3, NM_001363528.2 and 3 more transcripts); c.2124G>A, p.Lys708= (NM_001318827.2); c.2088G>A, p.Lys696= (NM_001318829.2); c.1635G>A, p.Lys545= (NM_001318831.2); c.2268G>A, p.Lys756= (NM_001318832.2).
Identifiers: ClinVar variation 509319 (VCV000509319.14), dbSNP rs762162898, ClinGen allele CA037669.

ClinVar aggregate classification (germline): Benign/Likely benign. Review status: criteria provided, multiple submitters, no conflicts (2 of 4 stars). 4 submissions from 4 submitters: Benign (1); Likely benign (3). Last evaluated 2025-10-16.

Conditions:
Hereditary cancer-predisposing syndrome. Also called: Hereditary Cancer Syndrome; Tumor predisposition; Neoplastic Syndromes, Hereditary; Hereditary neoplastic syndrome. Identifiers: Orphanet 140162, MedGen C0027672, MeSH D009386, MONDO:0015356.
Tuberous sclerosis 2 (TSC2). Identifiers: Orphanet 805, MedGen C1860707, MONDO:0013199, OMIM 613254.

Allele frequency attached by ClinVar (database versions not stated): gnomAD exomes below 0.00001; TOPMed below 0.00001; ExAC 0.00001.
gnomAD v4.1: 2 of 1,613,648 alleles (0.00012%); no homozygotes.

Submissions (4):

Labcorp Genetics (formerly Invitae), Labcorp
Classification: Likely benign for Tuberous sclerosis 2. Last evaluated: 2025-10-16. Review status: criteria provided, single submitter. Criteria: Invitae Variant Classification Sherloc (09022015). Collection method: clinical testing. Allele origin: germline.

Ambry Genetics
Classification: Likely benign for Hereditary cancer-predisposing syndrome. Last evaluated: 2023-09-23. Review status: criteria provided, single submitter. Criteria: Ambry Variant Classification Scheme 2023. Collection method: clinical testing. Allele origin: germline.

Genome-Nilou Lab
Classification: Benign for Tuberous sclerosis 2. Last evaluated: 2021-11-07. Review status: criteria provided, single submitter. Criteria: ACMG Guidelines, 2015. Collection method: clinical testing. Allele origin: germline. Affected: no.

GeneDx
Classification: Likely benign. Last evaluated: 2017-05-04. Review status: criteria provided, single submitter. Criteria: GeneDx Variant Classification (06012015). Collection method: clinical testing. Allele origin: germline. Affected: yes.
Comment: This variant is considered likely benign or benign based on one or more of the following criteria: it is a conservative change, it occurs at a poorly conserved position in the protein, it is predicted to be benign by multiple in silico algorithms, and/or has population frequency not consistent with disease.